The following is an entry in ClinVar:

NM_000426.4(LAMA2):c.639+1del

Gene: LAMA2 (laminin subunit alpha 2; plus strand). Cytogenetic location: 6q22.33.
Variant type: Deletion.
Coding change: c.639+1del on transcript NM_000426.4 (MANE Select); the canonical splice donor site of the intron after coding-DNA position 639, one base deleted (G; older notation c.639+1delG).
Molecular consequence: splice donor variant.
Genome position (GRCh38, 1-based): chr6:129,098,416, G deleted; the last of 2 consecutive G bases (chr6:129,098,415-129,098,416); deleting either gives the same sequence. VCF-style (leftmost placement, unchanged base first): chr6-129098414-AG-A. GRCh37 (hg19) VCF-style: chr6-129419559-AG-A.
Other names: c.639del (NM_000426.4); c.639+1del (NM_001079823.2).
Identifiers: ClinVar variation 1709007 (VCV001709007.2), dbSNP rs2482428612, ClinGen allele CA2580074899.
Genomic context (GRCh38, chr6:129,098,414, plus strand): 5'-AAGATGATGAGGTCATCTGCACTTCATTTTACTCCAAGATACACCCCTTAGAAAATGGAG[AG>A]GTAAGATGAGAAAACTCACCATTTAAGCACATTTGATACGGTGAAATAGGCCTGTCAGAA-3'

ClinVar aggregate classification (germline): Likely pathogenic (1 of 4 stars; one submission).

Conditions:
Muscular dystrophy, limb-girdle, autosomal recessive 23. Identifiers: Orphanet 565837, MedGen C4748327, MONDO:0029136, OMIM 618138.

Submission:

MGZ Medical Genetics Center
Classification: Likely pathogenic for Muscular dystrophy, limb-girdle, autosomal recessive 23. Last evaluated: 2021-12-08. Review status: criteria provided, single submitter. Criteria: ACMG Guidelines, 2015. Collection method: clinical testing. Allele origin: germline. Affected: yes. Observed: 1 variant allele.
Comment: ACMG criteria applied: PVS1, PM2_SUP